The following is an entry in ClinVar:

ClinVar aggregate classification (germline): Likely pathogenic. Review status: reviewed by expert panel (3 of 4 stars). 4 submissions from 4 submitters: Likely pathogenic (1). 3 of the submissions do not count toward it. Last evaluated 2026-04-30.

Conditions:
Autosomal recessive limb-girdle muscular dystrophy. Identifiers: Orphanet 102015, MedGen C2931907, MONDO:0015152.
Autosomal recessive limb-girdle muscular dystrophy type 2B (LGMDR2). Also called: MUSCULAR DYSTROPHY, LIMB-GIRDLE, TYPE 3; Limb-Girdle Muscular Dystrophy Type 2B (LGMD2B); MUSCULAR DYSTROPHY, LIMB-GIRDLE, AUTOSOMAL RECESSIVE 2; Limb-girdle muscular dystrophy, type 2B. Identifiers: Orphanet 268, MedGen C1850889, MONDO:0009676, OMIM 253601.
Neuromuscular disease caused by qualitative or quantitative defects of dysferlin. Also called: Qualitative or quantitative defects of dysferlin; Dysferlinopathy. Identifiers: Orphanet 207073, MedGen C2931687, MONDO:0016145.

Allele frequency attached by ClinVar (database versions not stated): gnomAD exomes below 0.00001; ExAC 0.00001.
gnomAD v4.1: 3 of 1,614,184 alleles (0.00019%); highest among the groups gnomAD compares: Non-Finnish European, 0.00025%; no homozygotes.

Submissions (4):

ClinGen Limb Girdle Muscular Dystrophy Variant Curation Expert Panel, ClinGen
Classification: Likely pathogenic for Autosomal recessive limb-girdle muscular dystrophy. Last evaluated: 2026-04-30. Review status: reviewed by expert panel. Criteria: ClinGen LGMD VCEP ACMG Specifications DYSF V2.0.0. Collection method: curation. Allele origin: germline. Inheritance: Autosomal recessive inheritance.
Comment: The NM_003494.4: c.5629T>C variant in DYSF, which is also known as NM_001130987.2: c.5746T>C p.(Tyr1916His), is a missense variant expected to cause the substitution of tyrosine for histidine at amino acid 1877, p.(Tyr1877His). This variant has been identified in at least three individuals with features consistent with LGMD (PMID: 34559919, 30564623; ClinVar SCV002975439.1, Jain Foundation Dysferlin Registry internal data communication; LOVD Individuals #00219617 and #00376017), including in unknown phase with a variant classified as at least likely pathogenic in one patient with progressive muscle weakness, elevated serum creatine kinase, and suspected Miyoshi myopathy (NM_003494.4: c.1278dup p.(Lys427GlufsTer47), 0.25 pts, ClinVar SCV002975439.1, Jain Foundation Dysferlin Registry internal data communication; PP4_Strong, PM3_Supporting not met). In the second case, a second DYSF variant was not identified (PMID: 34559919, LOVD Individual #00376017). In the third individual, c.5629T>C p.(Tyr1877His) was identified in unknown phase with a pathogenic DYSF variant (NM_003494.4: c.1168G>A p.(Asp390Asn)), but this individual was also homozygous for a pathogenic variant in ANO5 (c.191dup p.(Asn64LysfsTer15), with limited phenotype detail provided (PMID: 30564623, LOVD Individual #00219617). The upper bound of the 95% confidence interval of the Grpmax variant allele frequency in gnomAD v4.1.0 is 0.00000657 (3/1180038 European (non-Finnish) chromosomes), which is less than the ClinGen LGMD VCEP threshold (<0.0001) (PM2_Supporting). The computational predictor REVEL gives a score of 0.891, which is above the LGMD VCEP threshold of ≥0.70, evidence that correlates with impact to DYSF function (PP3). In summary, this variant meets criteria to be classified as likely pathogenic for autosomal recessive limb-girdle muscular dystrophy based on the ACMG/AMP criteria applied, as specified by the ClinGen LGMD VCEP (specifications version 2.0.0; 04/30/2026): PP4_Strong, PM2_Supporting, PP3.

Labcorp Genetics (formerly Invitae), Labcorp
Classification: Uncertain significance for Neuromuscular disease caused by qualitative or quantitative defects of dysferlin. Last evaluated: 2022-06-14. Review status: criteria provided, single submitter. Criteria: Invitae Variant Classification Sherloc (09022015). Collection method: clinical testing. Allele origin: germline. Not counted in ClinVar's aggregate classification.
Comment: This sequence change replaces tyrosine, which is neutral and polar, with histidine, which is basic and polar, at codon 1877 of the DYSF protein (p.Tyr1877His). This variant is present in population databases (rs762258343, gnomAD 0.0009%). This variant has not been reported in the literature in individuals affected with DYSF-related conditions. ClinVar contains an entry for this variant (Variation ID: 282408). Advanced modeling of protein sequence and biophysical properties (such as structural, functional, and spatial information, amino acid conservation, physicochemical variation, residue mobility, and thermodynamic stability) performed at Invitae indicates that this missense variant is expected to disrupt DYSF protein function. In summary, the available evidence is currently insufficient to determine the role of this variant in disease. Therefore, it has been classified as a Variant of Uncertain Significance.

NeuroMeGen, Hospital Clinico Santiago de Compostela
Classification: Likely pathogenic for Autosomal recessive limb-girdle muscular dystrophy type 2B. Last evaluated: 2018-10-08. Review status: criteria provided, single submitter. Criteria: ACMG Guidelines, 2015. Collection method: clinical testing. Allele origin: unknown. Affected: yes. Observed: 1 compound heterozygote. Not counted in ClinVar's aggregate classification.

Eurofins Ntd Llc (ga)
Classification: Uncertain significance. Last evaluated: 2015-08-11. Review status: criteria provided, single submitter. Criteria: EGL Classification Definitions 2015. Collection method: clinical testing. Allele origin: germline. Observed: 1 variant allele, 1 heterozygote. Not counted in ClinVar's aggregate classification.

NM_001130987.2(DYSF):c.5746T>C (p.Tyr1916His)

Gene: DYSF (dysferlin; plus strand). Cytogenetic location: 2p13.2.
Variant type: single nucleotide variant.
Coding change: c.5746T>C on transcript NM_001130987.2 (MANE Select); coding-DNA position 5746, T replaced by C.
Protein change: p.Tyr1916His; replaces tyrosine 1916 with histidine.
Molecular consequence: missense variant.
Genome position (GRCh38, 1-based): chr2:71,669,708, T>C. VCF-style: chr2-71669708-T-C. GRCh37 (hg19) VCF-style: chr2-71896838-T-C.
Other names: NM_001130987.2(DYSF):c.5746T>C; p.Tyr1916His; c.5632T>C, p.Tyr1878His (NM_001130455.2); c.5587T>C, p.Tyr1863His (NM_001130976.2); c.5650T>C, p.Tyr1884His (NM_001130977.2); c.5692T>C, p.Tyr1898His (NM_001130978.2); c.5722T>C, p.Tyr1908His (NM_001130979.2); c.5680T>C, p.Tyr1894His (NM_001130980.2); and 7 more; short protein forms Y1877H, Y1916H, Y1863H, Y1864H, Y1878H, Y1885H, Y1898H, Y1908H.
Identifiers: ClinVar variation 282408 (VCV000282408.7), dbSNP rs762258343, ClinGen allele CA1707485.